The following is an entry in ClinVar:

NM_198282.4(STING1):c.457T>A (p.Phe153Ile)

Gene: STING1 (stimulator of interferon response cGAMP interactor 1; minus strand). Cytogenetic location: 5q31.2.
Variant type: single nucleotide variant.
Coding change: c.457T>A on transcript NM_198282.4 (MANE Select); coding-DNA position 457, T replaced by A.
Protein change: p.Phe153Ile; replaces phenylalanine 153 with isoleucine.
Molecular consequence: missense variant.
Genome position (GRCh38, 1-based): chr5:139,480,853, A>T on the plus strand (T>A on the coding strand, the complement: STING1 is on the minus strand). VCF-style: chr5-139480853-A-T. GRCh37 (hg19) VCF-style: chr5-138860438-A-T.
Other names: c.457T>A, p.Phe153Ile (NM_001301738.2); c.100T>A, p.Phe34Ile (NM_001367258.1); short protein forms F153I, F34I.
Identifiers: ClinVar variation 1299706 (VCV001299706.2), dbSNP rs2152094234, ClinGen allele CA361481047.

ClinVar aggregate classification (germline): Likely pathogenic. Review status: criteria provided, single submitter (1 of 4 stars). 2 submissions from 2 submitters: Likely pathogenic (1). 1 of the submissions does not count toward it. Last evaluated 2024-02-18.

Conditions:
STING-associated vasculopathy with onset in infancy. Also called: Sting-associated vasculopathy, infantile-onset. Identifiers: Orphanet 425120, MedGen C4014722, MONDO:0014405, OMIM 615934.

Submissions (2):

3billion
Classification: Likely pathogenic for STING-associated vasculopathy with onset in infancy. Last evaluated: 2024-02-18. Review status: criteria provided, single submitter. Criteria: ACMG Guidelines, 2015. Collection method: clinical testing. Allele origin: germline. Affected: yes.
Comment: The variant is not observed in the gnomAD v2.1.1 dataset. Predicted Consequence/Location: The variant is located in a mutational hot spot and/or well-established functional domain in which established pathogenic variants have been reported (PMID: 35928815). Missense changes are a common disease-causing mechanism. In silico tool predictions suggest no damaging effect of the variant on gene or gene product [REVEL: 0.07 (<0.4); 3Cnet: 0.05 (<0.15, specificity 0.78 and negative predicitive value 0.92)]. Same nucleotide change resulting in same amino acid change has been previously reported to be associated with STING1 related disorder (ClinVar ID: VCV001299706).A different missense change at the same codon (p.Phe153Val) has been reported to be associated with STING1 related disorder (PMID: 33833757). Therefore, this variant is classified as Likely pathogenic according to the recommendation of ACMG/AMP guideline.

Servicio de Inmunologia, Hospital Universitario Virgen del Rocio
Classification: Pathogenic for STING-associated vasculopathy with onset in infancy. Last evaluated: 2021-08-26. Review status: no assertion criteria provided. Collection method: clinical testing. Allele origin: germline. Inheritance: Autosomal dominant inheritance. Affected: yes. Observed: 4 variant alleles, 4 heterozygotes. Not counted in ClinVar's aggregate classification.

Literature cited by the submitters: PubMed 35928815 (cited by 3billion); PubMed 33833757 (cited by 3billion).